The following is an entry in ClinVar:

ClinVar aggregate classification (germline): Uncertain significance (1 of 4 stars; one submission).

Conditions:
Combined immunodeficiency due to DOCK8 deficiency (HIES2). Also called: DOCK8 Deficiency; HIES autosomal recessive; Hyper-IgE recurrent infection syndrome, autosomal recessive; HYPER-IgE RECURRENT INFECTION SYNDROME 2, AUTOSOMAL RECESSIVE; HYPER-IgE SYNDROME 2, AUTOSOMAL RECESSIVE, WITH RECURRENT INFECTIONS. Identifiers: Orphanet 217390, MedGen C4722305, MONDO:0009478, OMIM 243700.

Submission:

Labcorp Genetics (formerly Invitae), Labcorp
Classification: Uncertain significance for Hyper-Immunoglobulin E Syndrome, Autosomal Recessive. Last evaluated: 2019-11-06. Review status: criteria provided, single submitter. Criteria: Invitae Variant Classification Sherloc (09022015). Collection method: clinical testing. Allele origin: germline.
Comment: This variant results in a copy number gain of the genomic region encompassing exons 1-25 of the DOCK8 gene. The 5' end of this event is unknown as it extends beyond the assayed region for this gene and therefore may encompass additional genes. The 3' boundary is likely confined to intron 25 of the DOCK8 gene. As the precise location of this event is unknown, it may be in tandem or it may be located elsewhere in the genome. This variant has not been reported in the literature in individuals with DOCK8-related conditions. In summary, the available evidence is currently insufficient to determine the role of this variant in disease. Therefore, it has been classified as a Variant of Uncertain Significance.

NC_000009.12:g.(?_214957)_(396954_?)dup

Genes: DOCK8 (dedicator of cytokinesis 8; plus strand), DOCK8-AS1 (DOCK8 antisense RNA 1; minus strand). Cytogenetic location: 9p24.3.
Variant type: Duplication.
Identifiers: ClinVar variation 832252 (VCV000832252.1).